The following is an entry in ClinVar:

ClinVar aggregate classification (germline): Uncertain significance. Review status: criteria provided, multiple submitters, no conflicts (2 of 4 stars). 2 submissions from 2 submitters: Uncertain significance (2). Last evaluated 2025-10-01.

Conditions:
Growth delay due to insulin-like growth factor I resistance. Also called: Somatomedin end-organ insensitivity to; Somatomedin-c resistance to; IGF-1 resistance; IGF-I RESISTANCE; Insulin-Like Growth Factor I Resistance. Identifiers: Orphanet 73273, MedGen C1849157, MONDO:0010038, OMIM 270450.

Allele frequency attached by ClinVar (database versions not stated): gnomAD exomes 0.00001 and 0.00002; TOPMed 0.00001; ExAC 0.00002; gnomAD 0.00002 and 0.00003; 1000 Genomes Project 30x 0.00016.
gnomAD v4.1: 19 of 1,614,100 alleles (0.0012%); highest among the groups gnomAD compares: Admixed American, 0.013%; no homozygotes.

Submissions (2):

Labcorp Genetics (formerly Invitae), Labcorp
Classification: Uncertain significance. Last evaluated: 2025-10-01. Review status: criteria provided, single submitter. Criteria: Invitae Variant Classification Sherloc (09022015). Collection method: clinical testing. Allele origin: germline.
Comment: This sequence change replaces glutamic acid, which is acidic and polar, with glycine, which is neutral and non-polar, at codon 681 of the IGF1R protein (p.Glu681Gly). This variant is present in population databases (rs200059469, gnomAD 0.009%). This variant has not been reported in the literature in individuals affected with IGF1R-related conditions. ClinVar contains an entry for this variant (Variation ID: 1029962). Invitae Evidence Modeling of protein sequence and biophysical properties (such as structural, functional, and spatial information, amino acid conservation, physicochemical variation, residue mobility, and thermodynamic stability) indicates that this missense variant is not expected to disrupt IGF1R protein function with a negative predictive value of 80%. In summary, the available evidence is currently insufficient to determine the role of this variant in disease. Therefore, it has been classified as a Variant of Uncertain Significance.

Baylor Genetics
Classification: Uncertain significance for Growth delay due to insulin-like growth factor I resistance. Last evaluated: 2019-12-13. Review status: criteria provided, single submitter. Criteria: ACMG Guidelines, 2015. Collection method: clinical testing. Allele origin: unknown. Affected: yes.
Comment: This variant was determined to be of uncertain significance according to ACMG Guidelines, 2015 [PMID:25741868].

NM_000875.5(IGF1R):c.2042A>G (p.Glu681Gly)

Gene: IGF1R (insulin like growth factor 1 receptor; plus strand). Cytogenetic location: 15q26.3.
Variant type: single nucleotide variant.
Coding change: c.2042A>G on transcript NM_000875.5 (MANE Select); coding-DNA position 2042, A replaced by G.
Protein change: p.Glu681Gly; replaces glutamic acid 681 with glycine.
Molecular consequence: missense variant.
Genome position (GRCh38, 1-based): chr15:98,916,717, A>G. VCF-style: chr15-98916717-A-G. GRCh37 (hg19) VCF-style: chr15-99459946-A-G.
Other names: c.2042A>G, p.Glu681Gly (NM_001291858.2); short protein forms E681G.
Identifiers: ClinVar variation 1029962 (VCV001029962.6), dbSNP rs200059469, ClinGen allele CA7752284.